The following is an entry in ClinVar:

NM_001042492.3(NF1):c.487G>T (p.Glu163Ter)

Gene: NF1 (neurofibromin 1; plus strand). Cytogenetic location: 17q11.2.
Variant type: single nucleotide variant.
Coding change: c.487G>T on transcript NM_001042492.3 (MANE Select); coding-DNA position 487, G replaced by T.
Protein change: p.Glu163Ter; replaces glutamic acid 163 with a stop codon.
Molecular consequence: nonsense.
Genome position (GRCh38, 1-based): chr17:31,169,898, G>T. VCF-style: chr17-31169898-G-T. GRCh37 (hg19) VCF-style: chr17-29496916-G-T.
Other names: c.487G>T, p.Glu163Ter (NM_000267.4, NM_001128147.3); short protein forms E163*.
Identifiers: ClinVar variation 977199 (VCV000977199.10), dbSNP rs2065903080, ClinGen allele CA398984700.
Genomic context (GRCh38, chr17:31,169,898, plus strand): 5'-ACCTGTCCCCTAATACTTAATTTGATAAGTTAATTTTGGTTTTTACTTTTTAGGTTACAG[G>T]AATTAACTGTTTGTTCAGAAGACAATGTTGATGTTCATGATATAGAATTGTTACAGTATA-3'

ClinVar aggregate classification (germline): Pathogenic. Review status: criteria provided, multiple submitters, no conflicts (2 of 4 stars). 4 submissions from 4 submitters: Pathogenic (4). Last evaluated 2025-05-23.

Conditions:
Neurofibromatosis, type 1 (NF1). Also called: VON RECKLINGHAUSEN DISEASE; NEUROFIBROMATOSIS, TYPE I, SOMATIC; Peripheral type neurofibromatosis; Neurofibromatosis, type I. Identifiers: Orphanet 636, MedGen C0027831, MONDO:0018975, OMIM 162200. Disease mechanism: loss of function.

Submissions (4):

Labcorp Genetics (formerly Invitae), Labcorp
Classification: Pathogenic for Neurofibromatosis, type 1. Last evaluated: 2025-05-23. Review status: criteria provided, single submitter. Criteria: Invitae Variant Classification Sherloc (09022015). Collection method: clinical testing. Allele origin: germline.
Comment: This sequence change creates a premature translational stop signal (p.Glu163*) in the NF1 gene. It is expected to result in an absent or disrupted protein product. Loss-of-function variants in NF1 are known to be pathogenic (PMID: 10712197, 23913538). This variant is not present in population databases (gnomAD no frequency). This premature translational stop signal has been observed in individual(s) with clinical features of neurofibromatosis type 1 (PMID: 30290804). ClinVar contains an entry for this variant (Variation ID: 977199). For these reasons, this variant has been classified as Pathogenic.

GeneDx
Classification: Pathogenic. Last evaluated: 2024-01-16. Review status: criteria provided, single submitter. Criteria: GeneDx Variant Classification Process June 2021. Collection method: clinical testing. Allele origin: germline. Affected: yes.
Comment: Nonsense variant predicted to result in protein truncation or nonsense mediated decay in a gene for which loss-of-function is a known mechanism of disease; Not observed at significant frequency in large population cohorts (gnomAD); This variant is associated with the following publications: (PMID: 30290804)

Genome-Nilou Lab
Classification: Pathogenic for Neurofibromatosis, type 1. Last evaluated: 2022-03-15. Review status: criteria provided, single submitter. Criteria: ACMG Guidelines, 2015. Collection method: clinical testing. Allele origin: germline. Affected: no.

Greenwood Genetic Center Diagnostic Laboratories, Greenwood Genetic Center
Classification: Pathogenic. Last evaluated: 2020-07-06. Review status: criteria provided, single submitter. Criteria: ACMG Guidelines, 2015. Collection method: clinical testing. Allele origin: germline. Affected: yes.
Comment: PVS1, PS4_Supporting, PM2

Literature cited by the submitters: PubMed 10712197 (cited by Labcorp Genetics (formerly Invitae), Labcorp); PubMed 23913538 (cited by Labcorp Genetics (formerly Invitae), Labcorp); PubMed 30290804 (cited by Labcorp Genetics (formerly Invitae), Labcorp).